The following is an entry in ClinVar:

NM_206933.4(USH2A):c.5298+1G>C

Genes: USH2A (usherin; minus strand), USH2A-AS2 (USH2A antisense RNA 2; plus strand). Cytogenetic location: 1q41.
Variant type: single nucleotide variant.
Coding change: c.5298+1G>C on transcript NM_206933.4 (MANE Select); the canonical splice donor site of the intron after coding-DNA position 5298, G replaced by C.
Molecular consequence: splice donor variant.
Genome position (GRCh38, 1-based): chr1:216,083,455, C>G on the plus strand (G>C on the coding strand, the complement: USH2A is on the minus strand). VCF-style: chr1-216083455-C-G. GRCh37 (hg19) VCF-style: chr1-216256797-C-G.
Identifiers: ClinVar variation 3768148 (VCV003768148.1).
Genomic context (GRCh38, chr1:216,083,455, plus strand): 5'-TATTTATTTTAAAGTTGGGTCCTATATTTTAAAGTAATTTTAATCAAATTAATTCACATA[C>G]AGCAAGAAAATCAGGTCCATCTTTGTTATAAACGAAAAGAAGCAATCCATTTAATTGGTC-3'

ClinVar aggregate classification (germline): Pathogenic (1 of 4 stars; one submission).

Conditions:
Usher syndrome. Also called: Usher Syndromes; Usher's syndrome. Identifiers: Orphanet 886, MedGen CN469326, MeSH D052245, MONDO:0019501. Disease mechanism: loss of function.

gnomAD v4.1: 1 of 1,610,640 alleles (0.000062%); highest among the groups gnomAD compares: Non-Finnish European, 0.000085%; no homozygotes.

Submission:

Women's Health and Genetics/Laboratory Corporation of America, LabCorp
Classification: Pathogenic for Retinitis pigmentosa-deafness syndrome. Last evaluated: 2024-12-10. Review status: criteria provided, single submitter. Criteria: LabCorp Variant Classification Summary - May 2015. Collection method: clinical testing. Allele origin: germline.
Comment: Variant summary: USH2A c.5298+1G>C is located in a canonical splice-site and is predicted to affect mRNA splicing resulting in a significantly altered protein due to either exon skipping, shortening, or inclusion of intronic material. Variants that disrupt the consensus splice site are a relatively common cause of aberrant splicing and loss of USH2A function. A computational tool predicts that the variant abolishes a canonical 5' splicing donor site. At least one publication reports experimental evidence that this variant affects mRNA splicing (Jaijo_2011). The variant was absent in 250560 control chromosomes (gnomAD). c.5298+1G>C has been reported in the literature in individuals affected with Usher Syndrome or Retinitis Pigmentosa (Aller_2006, Panneman_2023). The following publications have been ascertained in the context of this evaluation (PMID: 17085681, 20497194, 36819107). No submitters have cited clinical-significance assessments for this variant to ClinVar. Based on the evidence outlined above, the variant was classified as pathogenic.

Literature cited by the submitters: PubMed 17085681; PubMed 20497194; PubMed 36819107.